The following is an entry in ClinVar:

NM_012062.5(DNM1L):c.593A>C (p.Lys198Thr)

Gene: DNM1L (dynamin 1 like; plus strand). Cytogenetic location: 12p11.21.
Variant type: single nucleotide variant.
Coding change: c.593A>C on transcript NM_012062.5 (MANE Select); coding-DNA position 593, A replaced by C.
Protein change: p.Lys198Thr; replaces lysine 198 with threonine.
Molecular consequence: missense variant. On other transcripts: intron variant (1).
Genome position (GRCh38, 1-based): chr12:32,713,345, A>C. VCF-style: chr12-32713345-A-C. GRCh37 (hg19) VCF-style: chr12-32866279-A-C.
Other names: c.593A>C, p.Lys198Thr (NM_001278463.2, NM_005690.5, NM_012063.4); c.632A>C, p.Lys211Thr (NM_001278464.2, NM_001278465.2, NM_001330380.2); c.131+5932A>C (NM_001278466.2); short protein forms K211T, K198T.
Identifiers: ClinVar variation 2969759 (VCV002969759.3), dbSNP rs2541014442, ClinGen allele CA384367879.

ClinVar aggregate classification (germline): Uncertain significance (1 of 4 stars; one submission).

Submission:

Labcorp Genetics (formerly Invitae), Labcorp
Classification: Uncertain significance. Last evaluated: 2022-12-14. Review status: criteria provided, single submitter. Criteria: Invitae Variant Classification Sherloc (09022015). Collection method: clinical testing. Allele origin: germline.
Comment: This sequence change replaces lysine, which is basic and polar, with threonine, which is neutral and polar, at codon 198 of the DNM1L protein (p.Lys198Thr). This variant is not present in population databases (gnomAD no frequency). In summary, the available evidence is currently insufficient to determine the role of this variant in disease. Therefore, it has been classified as a Variant of Uncertain Significance. Algorithms developed to predict the effect of missense changes on protein structure and function (SIFT, PolyPhen-2, Align-GVGD) all suggest that this variant is likely to be disruptive. This variant has not been reported in the literature in individuals affected with DNM1L-related conditions.